The following is an entry in ClinVar:

NM_013339.4(ALG6):c.902+19G>A

Gene: ALG6 (ALG6 alpha-1,3-glucosyltransferase; plus strand). Cytogenetic location: 1p31.3.
Variant type: single nucleotide variant.
Coding change: c.902+19G>A on transcript NM_013339.4 (MANE Select); 19 bases into the intron after coding-DNA position 902, G replaced by A.
Molecular consequence: intron variant.
Genome position (GRCh38, 1-based): chr1:63,414,165, G>A. VCF-style: chr1-63414165-G-A. GRCh37 (hg19) VCF-style: chr1-63879836-G-A.
Other names: c.902+19G>A (LRG_1260t1).
Identifiers: ClinVar variation 386349 (VCV000386349.8), dbSNP rs1057522483, ClinGen allele CA16603672.

ClinVar aggregate classification (germline): Likely benign. Review status: criteria provided, multiple submitters, no conflicts (2 of 4 stars). 2 submissions from 2 submitters: Likely benign (2). Last evaluated 2025-05-27.

Conditions:
ALG6-congenital disorder of glycosylation 1C (CDG1C). Also called: CARBOHYDRATE-DEFICIENT GLYCOPROTEIN SYNDROME, TYPE I, WITH DEFICIENT GLYCOSYLATION OF DOLICHOL-LINKED OLIGOSACCHARIDE; CARBOHYDRATE-DEFICIENT GLYCOPROTEIN SYNDROME, TYPE V; Congenital disorder of glycosylation type 1C; Congenital disorder of glycosylation, type Ic; CDG Ic. Identifiers: Orphanet 79320, MedGen C2930997, MONDO:0011291, OMIM 603147.

Allele frequency attached by ClinVar (database versions not stated): gnomAD exomes 0.00001 and 0.00002; TOPMed 0.00001; gnomAD 0.00002.
gnomAD v4.1: 33 of 1,506,470 alleles (0.0022%); highest among the groups gnomAD compares: Non-Finnish European, 0.003%; no homozygotes.

Submissions (2):

Labcorp Genetics (formerly Invitae), Labcorp
Classification: Likely benign for ALG6-congenital disorder of glycosylation 1C. Last evaluated: 2025-05-27. Review status: criteria provided, single submitter. Criteria: Invitae Variant Classification Sherloc (09022015). Collection method: clinical testing. Allele origin: germline.

GeneDx
Classification: Likely benign. Last evaluated: 2016-05-24. Review status: criteria provided, single submitter. Criteria: GeneDx Variant Classification (06012015). Collection method: clinical testing. Allele origin: germline. Affected: yes.
Comment: This variant is considered likely benign or benign based on one or more of the following criteria: it is a conservative change, it occurs at a poorly conserved position in the protein, it is predicted to be benign by multiple in silico algorithms, and/or has population frequency not consistent with disease.